The following is an entry in ClinVar:

NM_015103.3(PLXND1):c.2871A>G (p.Pro957=)

Gene: PLXND1 (plexin D1; minus strand). Cytogenetic location: 3q22.1.
Variant type: single nucleotide variant.
Coding change: c.2871A>G on transcript NM_015103.3 (MANE Select); coding-DNA position 2871, A replaced by G.
Protein change: p.Pro957=; no amino-acid change (proline 957 retained).
Molecular consequence: synonymous variant.
Genome position (GRCh38, 1-based): chr3:129,572,908, T>C on the plus strand (A>G on the coding strand, the complement: PLXND1 is on the minus strand). VCF-style: chr3-129572908-T-C. GRCh37 (hg19) VCF-style: chr3-129291751-T-C.
Identifiers: ClinVar variation 1230863 (VCV001230863.6), dbSNP rs2244708, ClinGen allele CA2608845.
Genomic context (GRCh38, chr3:129,572,908, plus strand): 5'-GGAGAAGCGGTCCCGGGACTTGCCCTCCTTAGAGGCGTTCACGGTCACCACACCTGAGAG[T>C]GGTCCTGGGGCTGGCCCTGTGACACACACGATCCTGAGGGGAGGTGCTGTGGTCAGCCAG-3'
Protein context (NP_055918.3, residues 947-967): IVCVTGPAPG[Pro957=]LSGVVTVNAS

ClinVar aggregate classification (germline): Benign. Review status: criteria provided, multiple submitters, no conflicts (2 of 4 stars). 3 submissions from 3 submitters: Benign (2). 1 of the submissions does not count toward it. Last evaluated 2021-06-11.

Conditions:
PLXND1-related disorder. Also called: PLXND1-related condition.

Allele frequency attached by ClinVar (database versions not stated): gnomAD exomes 0.33510; ExAC 0.34289; TOPMed 0.40322; ESP Exome Variant Server 0.40434; 1000 Genomes Project 30x 0.43020; 1000 Genomes Project 0.43031.
gnomAD v4.1: 530,001 of 1,612,062 alleles (33%); highest among the groups gnomAD compares: African/African-American, 59%; 91,252 homozygotes.

Submissions (3):

GeneDx
Classification: Benign. Last evaluated: 2021-06-11. Review status: criteria provided, single submitter. Criteria: GeneDx Variant Classification Process June 2021. Collection method: clinical testing. Allele origin: germline. Affected: yes.

Breakthrough Genomics
Classification: Benign. Review status: criteria provided, single submitter. Criteria: ACMG Guidelines, 2015. Collection method: not provided. Allele origin: germline. Inheritance: Unknown mechanism. Affected: yes.

PreventionGenetics, part of Exact Sciences
Classification: Benign for PLXND1-related condition. Last evaluated: 2019-06-06. Review status: no assertion criteria provided. Collection method: clinical testing. Allele origin: germline. Not counted in ClinVar's aggregate classification.
Comment: This variant is classified as benign based on ACMG/AMP sequence variant interpretation guidelines (Richards et al. 2015 PMID: 25741868, with internal and published modifications).